The following is an entry in ClinVar:

NM_000038.6(APC):c.5761G>A (p.Gly1921Ser)

Gene: APC (APC regulator of Wnt signaling pathway; plus strand). Cytogenetic location: 5q22.2.
Variant type: single nucleotide variant.
Coding change: c.5761G>A on transcript NM_000038.6 (MANE Select); coding-DNA position 5761, G replaced by A.
Protein change: p.Gly1921Ser; replaces glycine 1921 with serine.
Molecular consequence: missense variant.
Genome position (GRCh38, 1-based): chr5:112,841,355, G>A. VCF-style: chr5-112841355-G-A. GRCh37 (hg19) VCF-style: chr5-112177052-G-A.
Other names: NM_000038.6(APC):c.5761G>A; p.Gly1921Ser; c.5761G>A, p.Gly1921Ser (NM_001127510.3, NM_001354895.2); c.5707G>A, p.Gly1903Ser (NM_001127511.3); c.5815G>A, p.Gly1939Ser (NM_001354896.2); c.5791G>A, p.Gly1931Ser (NM_001354897.2); c.5686G>A, p.Gly1896Ser (NM_001354898.2); c.5677G>A, p.Gly1893Ser (NM_001354899.2); and 7 more; short protein forms G1921S, G1903S, G1761S, G1893S, G1896S, G1638S, G1862S, G1931S.
Identifiers: ClinVar variation 411472 (VCV000411472.25), dbSNP rs1060503324, ClinGen allele CA16033936.

ClinVar aggregate classification (germline): Uncertain significance. Review status: reviewed by expert panel (3 of 4 stars). 7 submissions from 7 submitters: Uncertain significance (1). 6 of the submissions do not count toward it. Last evaluated 2023-02-26.

Conditions:
Hereditary cancer-predisposing syndrome. Also called: Hereditary Cancer Syndrome; Tumor predisposition; Hereditary neoplastic syndrome; Neoplastic Syndromes, Hereditary. Identifiers: Orphanet 140162, MedGen C0027672, MeSH D009386, MONDO:0015356.
Classic or attenuated familial adenomatous polyposis. Identifiers: MedGen CN372698, MONDO:0021057.
Familial adenomatous polyposis 1 (FAP1). Also called: FAMILIAL ADENOMATOUS POLYPOSIS 1, ATTENUATED; POLYPOSIS, ADENOMATOUS INTESTINAL. Identifiers: MedGen C2713442, MONDO:0021056, OMIM 175100. Disease mechanism: loss of function.

Allele frequency attached by ClinVar (database versions not stated): TOPMed 0.00001.

Submissions (7):

ClinGen InSiGHT Hereditary Colorectal Cancer/Polyposis Variant Curation Expert Panel
Classification: Uncertain significance for Familial adenomatous polyposis 1. Last evaluated: 2023-02-26. Review status: reviewed by expert panel. Criteria: ClinGen InSiGHT HCCP VCEP ACMG Specifications APC V1. Collection method: curation. Allele origin: germline. Inheritance: Autosomal dominant inheritance.
Comment: The c.5761G>A variant in APC is a missense variant predicted to cause the substitution of glycine by serine at amino acid position 1921 (p.Gly1921Ser). APC is defined by the ClinGen InSiGHT Hereditary Colorectal Cancer/Polyposis Variant Curation Expert Panel (HCCP VCEP) as a gene for which primarily truncating variants are known to cause disease (BP1). This variant has been observed in more than 3 heterozygous individuals with no features of FAP, worth 3 healthy individual points (BS2_Supporting; Ambry Genetics internal data). A luciferase reporter plasmid transiently transfected into SW480 cells shows an inability to suppress beta-catenin-regulated transcription indicating that this variant impacts protein function (PS3_Supporting; PMID 18199528). This variant is absent from gnomAD v2.1.1 (PM2_Supporting). Due to conflicting evidence, this variant is classified as a Variant of Uncertain Significance (VUS) for FAP based on the ACMG/AMP criteria applied, as specified by the HCCP VCEP: BS2_supporting, BP1, PM2_supporting, and PS3_supporting (VCEP specifications version 1; date of approval: 12/12/2022).

Ambry Genetics
Classification: Uncertain significance for Hereditary cancer-predisposing syndrome. Last evaluated: 2026-03-16. Review status: criteria provided, single submitter. Criteria: Ambry Variant Classification Scheme 2023. Collection method: clinical testing. Allele origin: germline. Not counted in ClinVar's aggregate classification.
Comment: The p.G1921S variant (also known as c.5761G>A), located in coding exon 15 of the APC gene, results from a G to A substitution at nucleotide position 5761. The glycine at codon 1921 is replaced by serine, an amino acid with similar properties. This alteration was detected in one individual with 11-99 adenomatous colorectal polyps and was not detected in 969 matched healthy controls (Azzopardi D et al. Cancer Res., 2008 Jan;68:358-63). This amino acid position is not well conserved in available vertebrate species. In addition, in silico predictors for this gene do not accurately predict pathogenicity. Missense alterations in APC are not a common cause of disease (Spier I et al. Genet Med. 2024 Feb;26(2):100992). Based on the available evidence, the clinical significance of this variant remains unclear.

Color Diagnostics, LLC DBA Color Health
Classification: Uncertain significance for Hereditary cancer-predisposing syndrome. Last evaluated: 2025-10-20. Review status: criteria provided, single submitter. Criteria: ACMG Guidelines, 2015. Collection method: clinical testing. Allele origin: germline. Not counted in ClinVar's aggregate classification.
Comment: This missense variant replaces glycine with serine at codon 1921 of the APC protein. Computational prediction suggests that this variant may not impact protein structure and function. APC is defined as a gene for which primarily truncating variants are known to cause disease (ClinGen HCCP VCEP). A functional study has demonstrated this variant impacted APC function in a beta-catenin regulated transcription assay (PMID: 18199528). This variant has been reported in an individual affected with 11-99 colorectal adenomas (PMID: 18199528). This variant has not been identified in the general population by the Genome Aggregation Database (gnomAD). The available evidence is insufficient to determine the role of this variant in disease conclusively. Therefore, this variant is classified as a Variant of Uncertain Significance.

Labcorp Genetics (formerly Invitae), Labcorp
Classification: Uncertain significance for Familial adenomatous polyposis 1. Last evaluated: 2025-07-02. Review status: criteria provided, single submitter. Criteria: Invitae Variant Classification Sherloc (09022015). Collection method: clinical testing. Allele origin: germline. Not counted in ClinVar's aggregate classification.
Comment: This sequence change replaces glycine, which is neutral and non-polar, with serine, which is neutral and polar, at codon 1921 of the APC protein (p.Gly1921Ser). This variant is not present in population databases (gnomAD no frequency). This missense change has been observed in individual(s) with multiple colorectal adenomas (PMID: 18199528). ClinVar contains an entry for this variant (Variation ID: 411472). Invitae Evidence Modeling of protein sequence and biophysical properties (such as structural, functional, and spatial information, amino acid conservation, physicochemical variation, residue mobility, and thermodynamic stability) indicates that this missense variant is not expected to disrupt APC protein function with a negative predictive value of 95%. In summary, the available evidence is currently insufficient to determine the role of this variant in disease. Therefore, it has been classified as a Variant of Uncertain Significance.

Quest Diagnostics Nichols Institute San Juan Capistrano
Classification: Uncertain significance. Last evaluated: 2025-01-02. Review status: criteria provided, single submitter. Criteria: Quest Diagnostics criteria. Collection method: clinical testing. Allele origin: unknown. Not counted in ClinVar's aggregate classification.
Comment: The APC c.5761G>A (p.Gly1921Ser) variant has been reported in the published literature in an individual with colorectal adenomas, and shown to have a deleterious effect on APC-associated regulation of beta-catenin transcription (PMID: 18199528 (208)). This variant has not been reported in large, multi-ethnic general populations (Genome Aggregation Database). Analysis of this variant using bioinformatics tools for the prediction of the effect of amino acid changes on protein structure and function yielded conflicting predictions that this variant is deleterious or benign. Based on the available information, we are unable to determine the clinical significance of this variant.

Baylor Genetics
Classification: Uncertain significance for Familial adenomatous polyposis 1. Last evaluated: 2024-03-09. Review status: criteria provided, single submitter. Criteria: ACMG Guidelines, 2015. Collection method: clinical testing. Allele origin: unknown. Not counted in ClinVar's aggregate classification.

All of Us Research Program, National Institutes of Health
Classification: Uncertain significance for Classic or attenuated familial adenomatous polyposis. Last evaluated: 2023-11-30. Review status: criteria provided, single submitter. Criteria: ACMG Guidelines, 2015. Collection method: clinical testing. Allele origin: germline. Inheritance: Autosomal dominant inheritance. Observed: 1 variant allele, 1 heterozygote. Not counted in ClinVar's aggregate classification.
Comment: This missense variant replaces glycine with serine at codon 1921 of the APC protein. Computational prediction suggests that this variant may not impact protein structure and function (internally defined REVEL score threshold <= 0.5, PMID: 27666373). To our knowledge, functional studies have not been reported for this variant. This variant has been reported in an individual affected with colorectal adenomas (PMID: 18199528). This variant has not been identified in the general population by the Genome Aggregation Database (gnomAD). The available evidence is insufficient to determine the role of this variant in disease conclusively. Therefore, this variant is classified as a Variant of Uncertain Significance.

This study involves interpretation of variants in research participants for the purpose of population health screening. Participant phenotype was not available at the time of variant classification. Additional details can be found in publication PMID: 35346344, PMCID: PMC8962531

Literature cited by the submitters: PubMed 18199528 (cited by 6 submitters); PubMed 21859464 (cited by Quest Diagnostics Nichols Institute San Juan Capistrano).